The following is an entry in ClinVar:

NM_001376571.1(MADD):c.2530G>A (p.Gly844Arg)

Gene: MADD (MAP kinase activating death domain; plus strand). Cytogenetic location: 11p11.2.
Variant type: single nucleotide variant.
Coding change: c.2530G>A on transcript NM_001376571.1 (MANE Select); coding-DNA position 2530, G replaced by A.
Protein change: p.Gly844Arg; replaces glycine 844 with arginine.
Molecular consequence: missense variant. On other transcripts: non-coding transcript variant (8).
Genome position (GRCh38, 1-based): chr11:47,285,569, G>A. VCF-style: chr11-47285569-G-A. GRCh37 (hg19) VCF-style: chr11-47307120-G-A.
Other names: c.2401G>A, p.Gly801Arg (NM_001376658.1, NM_001376661.1, NM_001376662.1 and 41 more transcripts); c.2197G>A, p.Gly733Arg (NM_001376659.1, NM_001376660.1, NM_001376644.1 and 5 more transcripts); c.1864G>A, p.Gly622Arg (NM_001376663.1); c.2530G>A, p.Gly844Arg (NM_003682.4, NM_130470.3, NM_130473.3 and 31 more transcripts); c.2326G>A, p.Gly776Arg (NM_001376648.1, NM_001376657.1, NM_001376626.1 and 1 more transcripts); c.2374G>A, p.Gly792Arg (NM_001376649.1, NM_001376632.1); c.2503G>A, p.Gly835Arg (NM_001376578.1, NM_001376631.1); c.2377G>A, p.Gly793Arg (NM_001376602.1); short protein forms G776R, G835R, G792R, G844R, G733R, G793R, G622R, G801R.
Identifiers: ClinVar variation 4624133 (VCV004624133.2).

ClinVar aggregate classification (germline): Uncertain significance. Review status: criteria provided, multiple submitters, no conflicts (2 of 4 stars). 2 submissions from 2 submitters: Uncertain significance (2). Last evaluated 2026-02-18.

Conditions:
Inborn genetic diseases. Identifiers: MedGen C0950123, MeSH D030342.

gnomAD v4.1: 13 of 1,613,950 alleles (0.00081%); highest among the groups gnomAD compares: African/African-American, 0.0013%; no homozygotes.

Submissions (2):

GeneDx
Classification: Uncertain significance. Last evaluated: 2026-02-18. Review status: criteria provided, single submitter. Criteria: GeneDx Variant Classification Process June 2021. Collection method: clinical testing. Allele origin: germline.
Comment: In silico analysis supports that this missense variant has a deleterious effect on protein structure/function; Has not been previously published as pathogenic or benign to our knowledge

Ambry Genetics
Classification: Uncertain significance for Inborn genetic diseases. Last evaluated: 2025-11-26. Review status: criteria provided, single submitter. Criteria: Ambry Variant Classification Scheme 2023. Collection method: clinical testing. Allele origin: germline.